The following is an entry in ClinVar:

ClinVar aggregate classification (germline): Benign/Likely benign. Review status: criteria provided, multiple submitters, no conflicts (2 of 4 stars). 4 submissions from 4 submitters: Benign (3); Likely benign (1). Last evaluated 2026-02-03.

Allele frequency attached by ClinVar (database versions not stated): gnomAD exomes 0.00038 and 0.00097; ExAC 0.00120; ESP Exome Variant Server 0.00369; gnomAD 0.00370 and 0.00395; 1000 Genomes Project 0.00379; TOPMed 0.00383; 1000 Genomes Project 30x 0.00437.
gnomAD v4.1: 1,142 of 1,613,370 alleles (0.071%); highest among the groups gnomAD compares: African/African-American, 1.2%; 5 homozygotes.

Submissions (4):

Labcorp Genetics (formerly Invitae), Labcorp
Classification: Benign. Last evaluated: 2026-02-03. Review status: criteria provided, single submitter. Criteria: Invitae Variant Classification Sherloc (09022015). Collection method: clinical testing. Allele origin: germline.

Blueprint Genetics
Classification: Likely benign. Last evaluated: 2024-11-25. Review status: criteria provided, single submitter. Criteria: ACMG Guidelines, 2015. Collection method: clinical testing. Allele origin: germline.

CeGaT Center for Human Genetics Tuebingen
Classification: Benign. Last evaluated: 2024-07-01. Review status: criteria provided, single submitter. Criteria: CeGaT Center For Human Genetics Tuebingen Variant Classification Criteria Version 2. Collection method: clinical testing. Allele origin: germline. Affected: yes. Observed: 3 variant alleles.
Comment: PACS2: BP4, BS1, BS2

Breakthrough Genomics
Classification: Benign. Review status: criteria provided, single submitter. Criteria: ACMG Guidelines, 2015. Collection method: not provided. Allele origin: germline. Inheritance: Autosomal dominant inheritance. Affected: yes.

NM_001100913.3(PACS2):c.1021G>A (p.Ala341Thr)

Gene: PACS2 (phosphofurin acidic cluster sorting protein 2; plus strand). Cytogenetic location: 14q32.33.
Variant type: single nucleotide variant.
Coding change: c.1021G>A on transcript NM_001100913.3 (MANE Select); coding-DNA position 1021, G replaced by A.
Protein change: p.Ala341Thr; replaces alanine 341 with threonine.
Molecular consequence: missense variant.
Genome position (GRCh38, 1-based): chr14:105,379,800, G>A. VCF-style: chr14-105379800-G-A. GRCh37 (hg19) VCF-style: chr14-105846137-G-A.
Other names: c.796G>A, p.Ala266Thr (NM_001243127.3); c.1021G>A, p.Ala341Thr (NM_015197.4); short protein forms A266T, A341T.
Identifiers: ClinVar variation 1168213 (VCV001168213.35), dbSNP rs116085053, ClinGen allele CA7388676.